The following is an entry in ClinVar:

ClinVar aggregate classification (germline): Uncertain significance (1 of 4 stars; one submission).

Allele frequency attached by ClinVar (database versions not stated): gnomAD exomes below 0.00001; TOPMed below 0.00001; ExAC 0.00008.
gnomAD v4.1: 4 of 1,523,212 alleles (0.00026%); highest among the groups gnomAD compares: Middle Eastern, 0.021%; no homozygotes.

Submission:

Labcorp Genetics (formerly Invitae), Labcorp
Classification: Uncertain significance. Last evaluated: 2022-06-15. Review status: criteria provided, single submitter. Criteria: Invitae Variant Classification Sherloc (09022015). Collection method: clinical testing. Allele origin: germline.
Comment: In summary, the available evidence is currently insufficient to determine the role of this variant in disease. Therefore, it has been classified as a Variant of Uncertain Significance. This sequence change replaces serine, which is neutral and polar, with glycine, which is neutral and non-polar, at codon 1341 of the TONSL protein (p.Ser1341Gly). The frequency data for this variant in the population databases is considered unreliable, as metrics indicate poor data quality at this position in the gnomAD database. This variant has not been reported in the literature in individuals affected with TONSL-related conditions. Algorithms developed to predict the effect of missense changes on protein structure and function are either unavailable or do not agree on the potential impact of this missense change (SIFT: "Tolerated"; PolyPhen-2: "Possibly Damaging"; Align-GVGD: "Class C0").

NM_013432.5(TONSL):c.4021A>G (p.Ser1341Gly)

Gene: TONSL (tonsoku like, DNA repair protein; minus strand). Cytogenetic location: 8q24.3.
Variant type: single nucleotide variant.
Coding change: c.4021A>G on transcript NM_013432.5 (MANE Select); coding-DNA position 4021, A replaced by G.
Protein change: p.Ser1341Gly; replaces serine 1341 with glycine.
Molecular consequence: missense variant.
Genome position (GRCh38, 1-based): chr8:144,429,259, T>C on the plus strand (A>G on the coding strand, the complement: TONSL is on the minus strand). VCF-style: chr8-144429259-T-C. GRCh37 (hg19) VCF-style: chr8-145654642-T-C.
Other names: short protein forms S1341G.
Identifiers: ClinVar variation 2089685 (VCV002089685.4), dbSNP rs782442145, ClinGen allele CA4942317.